The following is an entry in ClinVar:

NM_018127.7(ELAC2):c.1112A>G (p.Asn371Ser)

Gene: ELAC2 (elaC ribonuclease Z 2; minus strand). Cytogenetic location: 17p12.
Variant type: single nucleotide variant.
Coding change: c.1112A>G on transcript NM_018127.7 (MANE Select); coding-DNA position 1112, A replaced by G.
Protein change: p.Asn371Ser; replaces asparagine 371 with serine.
Molecular consequence: missense variant.
Genome position (GRCh38, 1-based): chr17:13,002,547, T>C on the plus strand (A>G on the coding strand, the complement: ELAC2 is on the minus strand). VCF-style: chr17-13002547-T-C. GRCh37 (hg19) VCF-style: chr17-12905864-T-C.
Other names: c.992A>G, p.Asn331Ser (NM_001165962.2); c.1112A>G, p.Asn371Ser (NM_173717.2); short protein forms N331S, N371S.
Identifiers: ClinVar variation 3368053 (VCV003368053.1).

ClinVar aggregate classification (germline): Uncertain significance (1 of 4 stars; one submission).

Submission:

GeneDx
Classification: Uncertain significance. Last evaluated: 2024-01-19. Review status: criteria provided, single submitter. Criteria: GeneDx Variant Classification Process June 2021. Collection method: clinical testing. Allele origin: germline. Affected: yes.
Comment: Not observed at significant frequency in large population cohorts (gnomAD); In silico analysis supports that this missense variant has a deleterious effect on protein structure/function; Has not been previously published as pathogenic or benign to our knowledge